The following is an entry in ClinVar:

ClinVar aggregate classification (germline): Conflicting classifications of pathogenicity. Review status: criteria provided, conflicting classifications (1 of 4 stars). 5 submissions from 5 submitters: Uncertain significance (2); Likely benign (3). Last evaluated 2025-11-01.

Conditions:
Hereditary spastic paraplegia 15 (SPG15). Also called: SPASTIC PARAPLEGIA 15, AUTOSOMAL RECESSIVE; KJELLIN SYNDROME; SPASTIC PARAPLEGIA AND RETINAL DEGENERATION. Identifiers: Orphanet 100996, MedGen C1849128, MONDO:0010044, OMIM 270700.
Spastic paraplegia. Identifiers: MedGen C0037772, HP:0001258.

Allele frequency attached by ClinVar (database versions not stated): gnomAD 0.00003; gnomAD exomes 0.00003; ExAC 0.00005; TOPMed 0.00005; ESP Exome Variant Server 0.00023.
gnomAD v4.1: 41 of 1,612,752 alleles (0.0025%); highest among the groups gnomAD compares: African/African-American, 0.004%; no homozygotes.

Submissions (5):

CeGaT Center for Human Genetics Tuebingen
Classification: Likely benign. Last evaluated: 2025-11-01. Review status: criteria provided, single submitter. Criteria: CeGaT Center For Human Genetics Tuebingen Variant Classification Criteria Version 2. Collection method: clinical testing. Allele origin: germline. Affected: yes. Observed: 1 variant allele.
Comment: ZFYVE26: BP4, BP7

Labcorp Genetics (formerly Invitae), Labcorp
Classification: Likely benign for Spastic paraplegia. Last evaluated: 2023-12-19. Review status: criteria provided, single submitter. Criteria: Invitae Variant Classification Sherloc (09022015). Collection method: clinical testing. Allele origin: germline.

Blueprint Genetics
Classification: Likely benign. Last evaluated: 2021-03-03. Review status: criteria provided, single submitter. Criteria: ACMG Guidelines, 2015. Collection method: clinical testing. Allele origin: germline.

Illumina Laboratory Services, Illumina
Classification: Uncertain significance for Hereditary spastic paraplegia 15. Last evaluated: 2018-01-13. Review status: criteria provided, single submitter. Criteria: ICSL Variant Classification Criteria 13 December 2019. Collection method: clinical testing. Allele origin: germline.

Eurofins Ntd Llc (ga)
Classification: Uncertain significance. Last evaluated: 2017-04-14. Review status: criteria provided, single submitter. Criteria: EGL Classification Definitions 2015. Collection method: clinical testing. Allele origin: germline. Observed: 1 variant allele, 1 heterozygote.

NM_015346.4(ZFYVE26):c.7317C>T (p.Asp2439=)

Gene: ZFYVE26 (zinc finger FYVE-type containing 26; minus strand). Cytogenetic location: 14q24.1.
Variant type: single nucleotide variant.
Coding change: c.7317C>T on transcript NM_015346.4 (MANE Select); coding-DNA position 7317, C replaced by T.
Protein change: p.Asp2439=; no amino-acid change (aspartic acid 2439 retained).
Molecular consequence: synonymous variant.
Genome position (GRCh38, 1-based): chr14:67,752,398, G>A on the plus strand (C>T on the coding strand, the complement: ZFYVE26 is on the minus strand). VCF-style: chr14-67752398-G-A. GRCh37 (hg19) VCF-style: chr14-68219115-G-A.
Identifiers: ClinVar variation 500872 (VCV000500872.24), dbSNP rs147321202, ClinGen allele CA7239008.